The following is an entry in ClinVar:

NM_002227.4(JAK1):c.458G>A (p.Ser153Asn)

Gene: JAK1 (Janus kinase 1; minus strand). Cytogenetic location: 1p31.3.
Variant type: single nucleotide variant.
Coding change: c.458G>A on transcript NM_002227.4 (MANE Select); coding-DNA position 458, G replaced by A.
Protein change: p.Ser153Asn; replaces serine 153 with asparagine.
Molecular consequence: missense variant.
Genome position (GRCh38, 1-based): chr1:64,873,395, C>T on the plus strand (G>A on the coding strand, the complement: JAK1 is on the minus strand). VCF-style: chr1-64873395-C-T. GRCh37 (hg19) VCF-style: chr1-65339078-C-T.
Other names: c.458G>A, p.Ser153Asn (NM_001320923.2, NM_001321852.2, NM_001321853.2 and 4 more transcripts); short protein forms S153N.
Identifiers: ClinVar variation 2266685 (VCV002266685.3), dbSNP rs763543398, ClinGen allele CA23922913.

ClinVar aggregate classification (germline): Uncertain significance. Review status: criteria provided, multiple submitters, no conflicts (2 of 4 stars). 2 submissions from 2 submitters: Uncertain significance (2). Last evaluated 2025-07-19.

Conditions:
Inborn genetic diseases. Identifiers: MedGen C0950123, MeSH D030342.

gnomAD v4.1: 2 of 1,614,082 alleles (0.00012%); highest among the groups gnomAD compares: African/African-American, 0.0013%; no homozygotes.

Submissions (2):

Labcorp Genetics (formerly Invitae), Labcorp
Classification: Uncertain significance. Last evaluated: 2025-07-19. Review status: criteria provided, single submitter. Criteria: Invitae Variant Classification Sherloc (09022015). Collection method: clinical testing. Allele origin: germline.
Comment: This sequence change replaces serine, which is neutral and polar, with asparagine, which is neutral and polar, at codon 153 of the JAK1 protein (p.Ser153Asn). This variant is not present in population databases (gnomAD no frequency). This variant has not been reported in the literature in individuals affected with JAK1-related conditions. ClinVar contains an entry for this variant (Variation ID: 2266685). Invitae Evidence Modeling of protein sequence and biophysical properties (such as structural, functional, and spatial information, amino acid conservation, physicochemical variation, residue mobility, and thermodynamic stability) indicates that this missense variant is not expected to disrupt JAK1 protein function with a negative predictive value of 80%. In summary, the available evidence is currently insufficient to determine the role of this variant in disease. Therefore, it has been classified as a Variant of Uncertain Significance.

Ambry Genetics
Classification: Uncertain significance for Inborn genetic diseases. Last evaluated: 2021-12-13. Review status: criteria provided, single submitter. Criteria: Ambry Variant Classification Scheme 2023. Collection method: clinical testing. Allele origin: germline.